The following is an entry in ClinVar:

NM_000256.3(MYBPC3):c.1823C>G (p.Pro608Arg)

Gene: MYBPC3 (myosin binding protein C3; minus strand). Cytogenetic location: 11p11.2.
Variant type: single nucleotide variant.
Coding change: c.1823C>G on transcript NM_000256.3 (MANE Select); coding-DNA position 1823, C replaced by G.
Protein change: p.Pro608Arg; replaces proline 608 with arginine.
Molecular consequence: missense variant.
Genome position (GRCh38, 1-based): chr11:47,341,212, G>C on the plus strand (C>G on the coding strand, the complement: MYBPC3 is on the minus strand). VCF-style: chr11-47341212-G-C. GRCh37 (hg19) VCF-style: chr11-47362763-G-C.
Other names: short protein forms P608R.
Identifiers: ClinVar variation 3614781 (VCV003614781.2).

ClinVar aggregate classification (germline): Uncertain significance (1 of 4 stars; one submission).

Conditions:
Hypertrophic cardiomyopathy. Also called: HYPERTROPHIC MYOCARDIOPATHY. Identifiers: Orphanet 217569, MedGen C0007194, MeSH D002312, MONDO:0005045, HP:0001639.

gnomAD v4.1: 3 of 1,597,938 alleles (0.00019%); highest among the groups gnomAD compares: Non-Finnish European, 0.00026%; no homozygotes.

Submission:

Labcorp Genetics (formerly Invitae), Labcorp
Classification: Uncertain significance for Hypertrophic cardiomyopathy. Last evaluated: 2024-12-18. Review status: criteria provided, single submitter. Criteria: Invitae Variant Classification Sherloc (09022015). Collection method: clinical testing. Allele origin: germline.
Comment: This sequence change replaces proline, which is neutral and non-polar, with arginine, which is basic and polar, at codon 608 of the MYBPC3 protein (p.Pro608Arg). This variant is present in population databases (rs778623429, gnomAD 0.003%). This variant has not been reported in the literature in individuals affected with MYBPC3-related conditions. An algorithm developed to predict the effect of missense changes on protein structure and function (PolyPhen-2) suggests that this variant is likely to be disruptive. In summary, the available evidence is currently insufficient to determine the role of this variant in disease. Therefore, it has been classified as a Variant of Uncertain Significance.